The following is an entry in ClinVar:

NM_001942.4(DSG1):c.2551G>C (p.Val851Leu)

Genes: DSG1 (desmoglein 1; plus strand), DSG1-AS1 (DSG1 antisense RNA 1; minus strand), LOC126862720 (MED14-independent group 3 enhancer GRCh37_chr18:28933613-28934812; plus strand). Cytogenetic location: 18q12.1.
Variant type: single nucleotide variant.
Coding change: c.2551G>C on transcript NM_001942.4 (MANE Select); coding-DNA position 2551, G replaced by C.
Protein change: p.Val851Leu; replaces valine 851 with leucine.
Molecular consequence: missense variant.
Genome position (GRCh38, 1-based): chr18:31,354,747, G>C. VCF-style: chr18-31354747-G-C. GRCh37 (hg19) VCF-style: chr18-28934710-G-C.
Other names: short protein forms V851L.
Identifiers: ClinVar variation 1466416 (VCV001466416.6), dbSNP rs763583271, ClinGen allele CA8926385.

ClinVar aggregate classification (germline): Uncertain significance (1 of 4 stars; one submission).

Allele frequency attached by ClinVar (database versions not stated): gnomAD exomes 0.00001; TOPMed 0.00001; ExAC 0.00001; gnomAD 0.00001.
gnomAD v4.1: 19 of 1,614,058 alleles (0.0012%); highest among the groups gnomAD compares: Non-Finnish European, 0.0016%; no homozygotes.

Submission:

Labcorp Genetics (formerly Invitae), Labcorp
Classification: Uncertain significance. Last evaluated: 2025-10-02. Review status: criteria provided, single submitter. Criteria: Invitae Variant Classification Sherloc (09022015). Collection method: clinical testing. Allele origin: germline.
Comment: This sequence change replaces valine, which is neutral and non-polar, with leucine, which is neutral and non-polar, at codon 851 of the DSG1 protein (p.Val851Leu). This variant is present in population databases (rs763583271, gnomAD 0.0008%). This variant has not been reported in the literature in individuals affected with DSG1-related conditions. ClinVar contains an entry for this variant (Variation ID: 1466416). Invitae Evidence Modeling of protein sequence and biophysical properties (such as structural, functional, and spatial information, amino acid conservation, physicochemical variation, residue mobility, and thermodynamic stability) indicates that this missense variant is not expected to disrupt DSG1 protein function with a negative predictive value of 80%. In summary, the available evidence is currently insufficient to determine the role of this variant in disease. Therefore, it has been classified as a Variant of Uncertain Significance.